The following is an entry in ClinVar:

NM_001377.3(DYNC2H1):c.8218A>G (p.Thr2740Ala)

Gene: DYNC2H1 (dynein cytoplasmic 2 heavy chain 1; plus strand). Cytogenetic location: 11q22.3.
Variant type: single nucleotide variant.
Coding change: c.8218A>G on transcript NM_001377.3 (MANE Select); coding-DNA position 8218, A replaced by G.
Protein change: p.Thr2740Ala; replaces threonine 2740 with alanine.
Molecular consequence: missense variant.
Genome position (GRCh38, 1-based): chr11:103,203,683, A>G. VCF-style: chr11-103203683-A-G. GRCh37 (hg19) VCF-style: chr11-103074412-A-G.
Other names: c.8218A>G, p.Thr2740Ala (NM_001080463.2); short protein forms T2740A.
Identifiers: ClinVar variation 994255 (VCV000994255.9), dbSNP rs768871834, ClinGen allele CA6254420.

ClinVar aggregate classification (germline): Uncertain significance (1 of 4 stars; one submission).

Conditions:
Asphyxiating thoracic dystrophy 3. Also called: SHORT-RIB THORACIC DYSPLASIA 3 WITH OR WITHOUT POLYDACTYLY; POLYDACTYLY WITH NEONATAL CHONDRODYSTROPHY, TYPE I; SHORT-RIB THORACIC DYSPLASIA 3/6 WITH POLYDACTYLY, DIGENIC; Short rib polydactyly syndrome 2B; Saldino-Noonan Syndrome. Identifiers: Orphanet 474, Orphanet 93269, Orphanet 93270, Orphanet 93271, MedGen C0036069, MONDO:0013127, OMIM 613091.

Allele frequency attached by ClinVar (database versions not stated): ExAC 0.00001; gnomAD exomes 0.00001 and 0.00003; TOPMed 0.00003; gnomAD 0.00004.
gnomAD v4.1: 56 of 1,610,442 alleles (0.0035%); highest among the groups gnomAD compares: Non-Finnish European, 0.0046%; no homozygotes.

Submission:

ARUP Laboratories, Molecular Genetics and Genomics, ARUP Laboratories
Classification: Uncertain significance for Asphyxiating thoracic dystrophy 3. Last evaluated: 2024-06-21. Review status: criteria provided, single submitter. Criteria: ARUP Molecular Germline Variant Investigation Process 2024. Collection method: clinical testing. Allele origin: germline.
Comment: The DYNC2H1 c.8218A>G; p.Thr2740Ala variant (rs768871834, ClinVar Variation ID: 994255), to our knowledge, is not reported in the medical literature. This variant is only found on five alleles in the Genome Aggregation Database (v2.1.1), indicating it is not a common polymorphism. Computational analyses predict that this variant is neutral (REVEL: 0.06). Due to limited information, the clinical significance of this variant is uncertain at this time.